The following is an entry in ClinVar:

ClinVar aggregate classification (germline): Pathogenic. Review status: criteria provided, multiple submitters, no conflicts (2 of 4 stars). 2 submissions from 2 submitters: Pathogenic (2). Last evaluated 2024-05-02.

Conditions:
Neurodevelopmental disorder. Identifiers: MedGen C1535926, MeSH D065886, MONDO:0700092.

Submissions (2):

GeneDx
Classification: Pathogenic. Last evaluated: 2024-05-02. Review status: criteria provided, single submitter. Criteria: GeneDx Variant Classification Process June 2021. Collection method: clinical testing. Allele origin: germline. Affected: yes.
Comment: Nonsense variant predicted to result in protein truncation or nonsense mediated decay in a gene for which loss of function is a known mechanism of disease; Not observed at significant frequency in large population cohorts (gnomAD); Has not been previously published as pathogenic or benign to our knowledge

Victorian Clinical Genetics Services, Murdoch Childrens Research Institute
Classification: Pathogenic for Neurodevelopmental disorder. Last evaluated: 2023-07-17. Review status: criteria provided, single submitter. Criteria: ACMG Guidelines, 2015. Collection method: clinical testing. Allele origin: germline. Inheritance: Autosomal dominant inheritance. Affected: yes.
Comment: Based on the classification scheme VCGS_Germline_v1.3.4, this variant is classified as Pathogenic. Following criteria are met: 0102 - Loss of function is a known mechanism of disease in this gene and is associated with neurodevelopmental disorder (MONDO:0700092), WDFY3-related. A macrocephaly phenotype is known to be caused by loss of function variants, while microcephaly 18, primary (MIM#617520) is likely due to gain of function and increased wnt signalling (PMID: 31327001, PMID: 27008544). (I) 0107 - This gene is associated with autosomal dominant disease. (I) 0201 - Variant is predicted to cause nonsense-mediated decay (NMD) and loss of protein (premature termination codon is located at least 54 nucleotides upstream of the final exon-exon junction). (SP) 0251 - This variant is heterozygous. (I) 0301 - Variant is absent from gnomAD (both v2 and v3). (SP) 0701 - Other NMD-predicted variants comparable to the one identified in this case have very strong previous evidence for pathogenicity. These variants have been reported as pathogenic, and observed in individuals with a neurodevelopmental disorder. Some of these individuals had macrocephaly, where the variant was either de novo or inherited from an affected parent (ClinVar, PMID: 31327001). (SP) 0807 - This variant has no previous evidence of pathogenicity. (I) 0905 - No published segregation evidence has been identified for this variant. (I) 1007 - No published functional evidence has been identified for this variant. (I) 1208 - Inheritance information for this variant is not currently available in this individual. (I) Legend: (SP) - Supporting pathogenic, (I) - Information, (SB) - Supporting benign

Literature cited by the submitters: PubMed 27008544 (cited by Victorian Clinical Genetics Services, Murdoch Childrens Research Institute); PubMed 31327001 (cited by Victorian Clinical Genetics Services, Murdoch Childrens Research Institute).

NM_014991.6(WDFY3):c.3547C>T (p.Arg1183Ter)

Gene: WDFY3 (WD repeat and FYVE domain containing 3; minus strand). Cytogenetic location: 4q21.23.
Variant type: single nucleotide variant.
Coding change: c.3547C>T on transcript NM_014991.6 (MANE Select); coding-DNA position 3547, C replaced by T.
Protein change: p.Arg1183Ter; replaces arginine 1183 with a stop codon.
Molecular consequence: nonsense.
Genome position (GRCh38, 1-based): chr4:84,789,848, G>A on the plus strand (C>T on the coding strand, the complement: WDFY3 is on the minus strand). VCF-style: chr4-84789848-G-A. GRCh37 (hg19) VCF-style: chr4-85711001-G-A.
Other names: short protein forms R1183*.
Identifiers: ClinVar variation 3254937 (VCV003254937.2), dbSNP rs2533592177.